The following is an entry in ClinVar:

ClinVar aggregate classification (germline): Uncertain significance. Review status: criteria provided, multiple submitters, no conflicts (2 of 4 stars). 2 submissions from 2 submitters: Uncertain significance (2). Last evaluated 2023-05-28.

Conditions:
Inborn genetic diseases. Identifiers: MedGen C0950123, MeSH D030342.

Submissions (2):

Labcorp Genetics (formerly Invitae), Labcorp
Classification: Uncertain significance. Last evaluated: 2023-05-28. Review status: criteria provided, single submitter. Criteria: Invitae Variant Classification Sherloc (09022015). Collection method: clinical testing. Allele origin: germline.
Comment: In summary, the available evidence is currently insufficient to determine the role of this variant in disease. Therefore, it has been classified as a Variant of Uncertain Significance. An algorithm developed to predict the effect of missense changes on protein structure and function (PolyPhen-2) suggests that this variant is likely to be disruptive. ClinVar contains an entry for this variant (Variation ID: 1785455). This variant has not been reported in the literature in individuals affected with ATR-related conditions. This variant is not present in population databases (gnomAD no frequency). This sequence change replaces leucine, which is neutral and non-polar, with proline, which is neutral and non-polar, at codon 692 of the ATR protein (p.Leu692Pro).

Ambry Genetics
Classification: Uncertain significance for Inborn genetic diseases. Last evaluated: 2021-12-30. Review status: criteria provided, single submitter. Criteria: Ambry Variant Classification Scheme 2023. Collection method: clinical testing. Allele origin: germline.
Comment: The p.L692P variant (also known as c.2075T>C), located in coding exon 9 of the ATR gene, results from a T to C substitution at nucleotide position 2075. The leucine at codon 692 is replaced by proline, an amino acid with similar properties. This amino acid position is conserved. In addition, this alteration is predicted to be deleterious by in silico analysis. Since supporting evidence is limited at this time, the clinical significance of this alteration remains unclear.

NM_001184.4(ATR):c.2075T>C (p.Leu692Pro)

Gene: ATR (ATR checkpoint kinase; minus strand). Cytogenetic location: 3q23.
Variant type: single nucleotide variant.
Coding change: c.2075T>C on transcript NM_001184.4 (MANE Select); coding-DNA position 2075, T replaced by C.
Protein change: p.Leu692Pro; replaces leucine 692 with proline.
Molecular consequence: missense variant.
Genome position (GRCh38, 1-based): chr3:142,556,386, A>G on the plus strand (T>C on the coding strand, the complement: ATR is on the minus strand). VCF-style: chr3-142556386-A-G. GRCh37 (hg19) VCF-style: chr3-142275228-A-G.
Other names: c.1883T>C, p.Leu628Pro (NM_001354579.2); short protein forms L628P, L692P.
Identifiers: ClinVar variation 1785455 (VCV001785455.5), dbSNP rs2473398099, ClinGen allele CA354819065.